The following is an entry in ClinVar:

ClinVar aggregate classification (germline): Uncertain significance (1 of 4 stars; one submission).

Allele frequency attached by ClinVar (database versions not stated): gnomAD exomes below 0.00001.
gnomAD v4.1: 3 of 1,596,944 alleles (0.00019%); highest among the groups gnomAD compares: Admixed American, 0.0036%; no homozygotes.

Submission:

Labcorp Genetics (formerly Invitae), Labcorp
Classification: Uncertain significance. Last evaluated: 2021-04-23. Review status: criteria provided, single submitter. Criteria: Invitae Variant Classification Sherloc (09022015). Collection method: clinical testing. Allele origin: germline.
Comment: This sequence change falls in intron 8 of the ASNS gene. It does not directly change the encoded amino acid sequence of the ASNS protein. It affects a nucleotide within the consensus splice site of the intron. This variant is not present in population databases (ExAC no frequency). This variant has not been reported in the literature in individuals with ASNS-related conditions. Nucleotide substitutions within the consensus splice site are a relatively common cause of aberrant splicing (PMID: 17576681, 9536098). Algorithms developed to predict the effect of sequence changes on RNA splicing suggest that this variant may disrupt the consensus splice site, but this prediction has not been confirmed by published transcriptional studies. In summary, the available evidence is currently insufficient to determine the role of this variant in disease. Therefore, it has been classified as a Variant of Uncertain Significance.

Literature cited by the submitters: PubMed 17576681; PubMed 9536098.

NM_001673.5(ASNS):c.1030+4A>G

Genes: ASNS (asparagine synthetase (glutamine-hydrolyzing); minus strand), CZ1P-ASNS (CZ1P-ASNS readthrough; minus strand). Cytogenetic location: 7q21.3.
Variant type: single nucleotide variant.
Coding change: c.1030+4A>G on transcript NM_001673.5 (MANE Select); 4 bases into the intron after coding-DNA position 1030, A replaced by G.
Molecular consequence: intron variant.
Genome position (GRCh38, 1-based): chr7:97,856,686, T>C on the plus strand (A>G on the coding strand, the complement: ASNS is on the minus strand). VCF-style: chr7-97856686-T-C. GRCh37 (hg19) VCF-style: chr7-97485998-T-C.
Other names: c.1030+4A>G (NM_183356.4, NM_133436.3, NM_001352496.2); c.781+4A>G (NM_001178077.1, NM_001178076.2); c.967+4A>G (NM_001178075.2).
Identifiers: ClinVar variation 1347772 (VCV001347772.3), dbSNP rs2115628921, ClinGen allele CA2573142478.
Genomic context (GRCh38, chr7:97,856,686, plus strand): 5'-TAAACCTTACATTTTTTTCAGTATTAAAAAAAGCTTTTTATTTAAGAATATCATAATACC[T>C]TACCTACTGAAGCACGAACTGTTGTAATGTCATAAGTTTCCAAGGAAAATATGACTTCAT-3'